The following is an entry in ClinVar:

ClinVar aggregate classification (germline): Pathogenic. Review status: criteria provided, multiple submitters, no conflicts (2 of 4 stars). 2 submissions from 2 submitters: Pathogenic (2). Last evaluated 2026-03-04.

Allele frequency attached by ClinVar (database versions not stated): TOPMed 0.00002.

Submissions (2):

Dasa
Classification: Pathogenic. Last evaluated: 2026-03-04. Review status: criteria provided, single submitter. Criteria: DASA Assertion Criteria. Collection method: clinical testing. Allele origin: germline.
Comment: NM_206933.4(USH2A):c.402del (p.Cys135Alafs*10) introduces a premature termination codon predicted to result in loss of normal protein function. Loss-of-function is an established mechanism of disease for this gene. This variant has been observed in affected individuals with related phenotype in a genotype context consistent with recessive disease. The variant is present at low frequency in population datasets. Based on the available data, this variant is classified as pathogenic.

Labcorp Genetics (formerly Invitae), Labcorp
Classification: Pathogenic. Last evaluated: 2025-03-30. Review status: criteria provided, single submitter. Criteria: Invitae Variant Classification Sherloc (09022015). Collection method: clinical testing. Allele origin: germline.
Comment: This sequence change creates a premature translational stop signal (p.Cys135Alafs*10) in the USH2A gene. It is expected to result in an absent or disrupted protein product. Loss-of-function variants in USH2A are known to be pathogenic (PMID: 10729113, 10909849, 20507924, 25649381). This variant is not present in population databases (gnomAD no frequency). This variant has not been reported in the literature in individuals affected with USH2A-related conditions. ClinVar contains an entry for this variant (Variation ID: 801623). For these reasons, this variant has been classified as Pathogenic.

Literature cited by the submitters: PubMed 10729113 (cited by Labcorp Genetics (formerly Invitae), Labcorp); PubMed 10909849 (cited by Labcorp Genetics (formerly Invitae), Labcorp); PubMed 20507924 (cited by Labcorp Genetics (formerly Invitae), Labcorp); PubMed 25649381 (cited by Labcorp Genetics (formerly Invitae), Labcorp).

NM_206933.4(USH2A):c.402del (p.Cys135fs)

Gene: USH2A (usherin; minus strand). Cytogenetic location: 1q41.
Variant type: Deletion.
Coding change: c.402del on transcript NM_206933.4 (MANE Select); coding-DNA position 402, one base deleted (C; older notation c.402delC).
Protein change: p.Cys135fs; shifts the reading frame from cysteine 135.
Molecular consequence: frameshift variant.
Genome position (GRCh38, 1-based): chr1:216,421,935, G deleted on the plus strand (C on the coding strand, the reverse complement: USH2A is on the minus strand). VCF-style (leftmost placement, unchanged base first): chr1-216421934-AG-A. GRCh37 (hg19) VCF-style: chr1-216595276-AG-A.
Other names: c.402del, p.Cys135fs (NM_007123.6); short protein forms C135fs.
Identifiers: ClinVar variation 801623 (VCV000801623.8), dbSNP rs1255535680, ClinGen allele CA731381220.